The following is an entry in ClinVar:

ClinVar aggregate classification (germline): Uncertain significance. Review status: criteria provided, multiple submitters, no conflicts (2 of 4 stars). 3 submissions from 3 submitters: Uncertain significance (3). Last evaluated 2026-02-20.

Conditions:
Inborn genetic diseases. Identifiers: MedGen C0950123, MeSH D030342.
Fanconi anemia (FA). Also called: Fanconi's anemia. Identifiers: Orphanet 84, MedGen C0015625, MeSH D005199, MONDO:0019391.
Fanconi anemia complementation group A (FANCA). Also called: Fanconi anemia, group A; FANCA-Related Fanconi Anemia. Identifiers: Orphanet 84, MedGen C3469521, MONDO:0009215, OMIM 227650.

Allele frequency attached by ClinVar (database versions not stated): TOPMed 0.00001; gnomAD exomes 0.00002; ExAC 0.00009.
gnomAD v4.1: 27 of 1,512,660 alleles (0.0018%); highest among the groups gnomAD compares: Non-Finnish European, 0.0023%; no homozygotes.

Submissions (3):

St. Jude Molecular Pathology, St. Jude Children's Research Hospital
Classification: Uncertain significance for Fanconi anemia complementation group A. Last evaluated: 2026-02-20. Review status: criteria provided, single submitter. Criteria: St. Jude Assertion Criteria 2020. Collection method: clinical testing. Allele origin: germline.
Comment: The FANCA c.53G>A p.(Arg18His) missense change has a maximum founder subpopulation frequency of 0.70% and a maximum non-founder subpopulation frequency of 0.0047% in gnomAD v2.1.1. The in silico tool REVEL predicts a benign effect on protein function, but to our knowledge this prediction has not been confirmed by functional studies. To our knowledge, this variant has not been reported in individuals with Fa nconi anemia. In summary, the evidence currently available is insufficient to determine the clinical significance of this variant. It has therefore been classified as of uncertain significance.

Ambry Genetics
Classification: Uncertain significance for Inborn genetic diseases. Last evaluated: 2024-11-24. Review status: criteria provided, single submitter. Criteria: Ambry Variant Classification Scheme 2023. Collection method: clinical testing. Allele origin: germline.
Comment: The p.R18H variant (also known as c.53G>A), located in coding exon 1 of the FANCA gene, results from a G to A substitution at nucleotide position 53. The arginine at codon 18 is replaced by histidine, an amino acid with highly similar properties. This amino acid position is conserved. In addition, this alteration is predicted to be tolerated by in silico analysis. Based on the available evidence, the clinical significance of this variant remains unclear.

Labcorp Genetics (formerly Invitae), Labcorp
Classification: Uncertain significance for Fanconi anemia. Last evaluated: 2024-01-25. Review status: criteria provided, single submitter. Criteria: Invitae Variant Classification Sherloc (09022015). Collection method: clinical testing. Allele origin: germline.
Comment: This sequence change replaces arginine, which is basic and polar, with histidine, which is basic and polar, at codon 18 of the FANCA protein (p.Arg18His). The frequency data for this variant in the population databases is considered unreliable, as metrics indicate poor data quality at this position in the gnomAD database. This variant has not been reported in the literature in individuals affected with FANCA-related conditions. ClinVar contains an entry for this variant (Variation ID: 1910833). Advanced modeling of protein sequence and biophysical properties (such as structural, functional, and spatial information, amino acid conservation, physicochemical variation, residue mobility, and thermodynamic stability) performed at Invitae indicates that this missense variant is not expected to disrupt FANCA protein function with a negative predictive value of 95%. In summary, the available evidence is currently insufficient to determine the role of this variant in disease. Therefore, it has been classified as a Variant of Uncertain Significance.

NM_000135.4(FANCA):c.53G>A (p.Arg18His)

Genes: FANCA (FA complementation group A; minus strand), LOC112486223 (Sharpr-MPRA regulatory region 3988; plus strand). Cytogenetic location: 16q24.3.
Variant type: single nucleotide variant.
Coding change: c.53G>A on transcript NM_000135.4 (MANE Select); coding-DNA position 53, G replaced by A.
Protein change: p.Arg18His; replaces arginine 18 with histidine.
Molecular consequence: missense variant.
Genome position (GRCh38, 1-based): chr16:89,816,563, C>T on the plus strand (G>A on the coding strand, the complement: FANCA is on the minus strand). VCF-style: chr16-89816563-C-T. GRCh37 (hg19) VCF-style: chr16-89882971-C-T.
Other names: c.53G>A, p.Arg18His (NM_001018112.3, NM_001286167.3, NM_001351830.2); short protein forms R18H.
Identifiers: ClinVar variation 1910833 (VCV001910833.6), dbSNP rs772693509, ClinGen allele CA8253264.